The following is an entry in ClinVar:

ClinVar aggregate classification (germline): Benign (1 of 4 stars; one submission).

Allele frequency attached by ClinVar (database versions not stated): 1000 Genomes Project 0.76717; 1000 Genomes Project 30x 0.77030; TOPMed 0.80419; gnomAD 0.80802.
gnomAD v4.1: 121,726 of 152,078 alleles (80%); highest among the groups gnomAD compares: African/African-American, 91%; 49,009 homozygotes.

Submission:

GeneDx
Classification: Benign. Last evaluated: 2018-06-19. Review status: criteria provided, single submitter. Criteria: GeneDx Variant Classification (06012015). Collection method: clinical testing. Allele origin: germline. Affected: yes.
Comment: This variant is considered likely benign or benign based on one or more of the following criteria: it is a conservative change, it occurs at a poorly conserved position in the protein, it is predicted to be benign by multiple in silico algorithms, and/or has population frequency not consistent with disease.

NM_014845.6(FIG4):c.289+331G>A

Gene: FIG4 (FIG4 phosphoinositide 5-phosphatase; plus strand). Cytogenetic location: 6q21.
Variant type: single nucleotide variant.
Coding change: c.289+331G>A on transcript NM_014845.6 (MANE Select); 331 bases into the intron after coding-DNA position 289, G replaced by A.
Molecular consequence: intron variant.
Genome position (GRCh38, 1-based): chr6:109,716,899, G>A. VCF-style: chr6-109716899-G-A. GRCh37 (hg19) VCF-style: chr6-110038102-G-A.
Identifiers: ClinVar variation 668145 (VCV000668145.1), dbSNP rs7771150, ClinGen allele CA12246033.
Genomic context (GRCh38, chr6:109,716,899, plus strand): 5'-TGATGAATGAAAAAGTAAAAATTAGCTTGGACTGGACTGTAAACATCCACCCTGCCATTC[G>A]TCAGCTGGAGTAACAAATCACGTAAAACTGGATTTAAAATTAATAGGAATTTCTCCTAAG-3'